The following is an entry in ClinVar:

ClinVar aggregate classification (germline): Pathogenic. Review status: criteria provided, multiple submitters, no conflicts (2 of 4 stars). 11 submissions from 11 submitters: Pathogenic (10). 1 of the submissions does not count toward it. Last evaluated 2026-01-27.

Conditions:
Cardiovascular phenotype. Identifiers: MedGen CN230736.
Cardiomyopathy (CMYO). Also called: Cardiomyopathies. Identifiers: Orphanet 167848, MedGen C0878544, MONDO:0004994, HP:0001638. Inheritance: Various modes of inheritance.
Primary familial hypertrophic cardiomyopathy (HCM). Identifiers: Orphanet 99739, MedGen C0949658, MeSH D024741, MONDO:0024573. Inheritance: Various modes of inheritance.
Hypertrophic cardiomyopathy 4. Also called: Familial hypertrophic cardiomyopathy 4. Identifiers: MedGen C1861862, MONDO:0007268, OMIM 115197.
Hypertrophic cardiomyopathy. Also called: HYPERTROPHIC MYOCARDIOPATHY. Identifiers: Orphanet 217569, MedGen C0007194, MeSH D002312, MONDO:0005045, HP:0001639.

Allele frequency attached by ClinVar (database versions not stated): TOPMed below 0.00001; gnomAD exomes below 0.00001.
gnomAD v4.1: 1 of 1,608,902 alleles (0.000062%); highest among the groups gnomAD compares: Admixed American, 0.0017%; no homozygotes.

Submissions (11):

Labcorp Genetics (formerly Invitae), Labcorp
Classification: Pathogenic for Hypertrophic cardiomyopathy. Last evaluated: 2026-01-27. Review status: criteria provided, single submitter. Criteria: Invitae Variant Classification Sherloc (09022015). Collection method: clinical testing. Allele origin: germline.
Comment: This sequence change affects an acceptor splice site in intron 22 of the MYBPC3 gene. It is expected to disrupt RNA splicing. Variants that disrupt the donor or acceptor splice site typically lead to a loss of protein function (PMID: 16199547), and loss-of-function variants in MYBPC3 are known to be pathogenic (PMID: 19574547). This variant is not present in population databases (gnomAD no frequency). Disruption of this splice site has been observed in individuals with hypertrophic cardiomyopathy (PMID: 23782526). ClinVar contains an entry for this variant (Variation ID: 177814). Algorithms developed to predict the effect of sequence changes on RNA splicing suggest that this variant may disrupt the consensus splice site. For these reasons, this variant has been classified as Pathogenic.

GeneDx
Classification: Pathogenic. Last evaluated: 2024-02-09. Review status: criteria provided, single submitter. Criteria: GeneDx Variant Classification Process June 2021. Collection method: clinical testing. Allele origin: germline. Affected: yes.
Comment: Not observed at significant frequency in large population cohorts (gnomAD); Canonical splice site variant predicted to result in a null allele in a gene for which loss of function is a known mechanism of disease; This variant is associated with the following publications: (PMID: 27532257, 30393631, 23782526, 37652022, 36129056, 34588271)

All of Us Research Program, National Institutes of Health
Classification: Pathogenic for Hypertrophic cardiomyopathy. Last evaluated: 2024-01-08. Review status: criteria provided, single submitter. Criteria: ACMG Guidelines, 2015. Collection method: clinical testing. Allele origin: germline. Inheritance: Autosomal dominant inheritance. Observed: 1 variant allele, 1 heterozygote.
Comment: This variant causes a G to A nucleotide substitution at the -1 position of intron 22 of the MYBPC3 gene. Splice site prediction tools suggest that this variant may have a significant impact on RNA splicing. Functional RNA studies have shown that this variant produces a mutant transcript that causes retention of intron 22, creating a frameshift and premature translation stop signal and expected to result in an absent or non-functional protein product (PMID: 34588271). This variant has been reported in over 10 unrelated individuals affected with hypertrophic cardiomyopathy (PMID: 25611685, 27532257, 28771489, 32841044, 34588271). It has been shown that this variant segregates with disease in multiple affected individuals across 8 unrelated families (PMID: 34588271). This variant has not been identified in the general population by the Genome Aggregation Database (gnomAD). Loss of MYBPC3 function is a known mechanism of disease. Based on the available evidence, this variant is classified as Pathogenic.

This study involves interpretation of variants in research participants for the purpose of population health screening. Participant phenotype was not available at the time of variant classification. Additional details can be found in publication PMID: 35346344, PMCID: PMC8962531

Color Diagnostics, LLC DBA Color Health
Classification: Pathogenic for Cardiomyopathy. Last evaluated: 2023-11-09. Review status: criteria provided, single submitter. Criteria: ACMG Guidelines, 2015. Collection method: clinical testing. Allele origin: germline.
Comment: This variant causes a G to A nucleotide substitution at the -1 position of intron 22 of the MYBPC3 gene. Splice site prediction tools suggest that this variant may have a significant impact on RNA splicing. Functional RNA studies have shown that this variant produces a mutant transcript that causes retention of intron 22, creating a frameshift and premature translation stop signal and expected to result in an absent or non-functional protein product (PMID: 34588271). This variant has been reported in over 10 unrelated individuals affected with hypertrophic cardiomyopathy (PMID: 25611685, 27532257, 28771489, 32841044, 34588271). It has been shown that this variant segregates with disease in multiple affected individuals across 8 unrelated families (PMID: 34588271). This variant has not been identified in the general population by the Genome Aggregation Database (gnomAD). Loss of MYBPC3 function is a known mechanism of disease. Based on the available evidence, this variant is classified as Pathogenic.

Women's Health and Genetics/Laboratory Corporation of America, LabCorp
Classification: Pathogenic for Primary familial hypertrophic cardiomyopathy. Last evaluated: 2022-07-22. Review status: criteria provided, single submitter. Criteria: LabCorp Variant Classification Summary - May 2015. Collection method: clinical testing. Allele origin: germline.
Comment: Variant summary: MYBPC3 c.2149-1G>A is located in a canonical splice-site and is predicted to affect mRNA splicing resulting in a significantly altered protein due to either exon skipping, shortening, or inclusion of intronic material. Several computational tools predict a significant impact on normal splicing: Four predict the variant abolishes a 3 acceptor site. Experimental evidence supports these predictions indicating that this variant affects mRNA splicing (Mendez_2021). The variant was absent in 237380 control chromosomes (gnomAD). c.2149-1G>A has been reported in the literature in multiple individuals affected with Hypertrophic Cardiomyopathy (e.g. Nunez_2013, Restrepo-Cordoba_2017, Mendez_2021). These data indicate that the variant is very likely to be associated with disease. Five ClinVar submitters (evaluation after 2014) cite the variant as pathogenic. Based on the evidence outlined above, the variant was classified as pathogenic.

Ambry Genetics
Classification: Pathogenic for Cardiovascular phenotype. Last evaluated: 2021-12-18. Review status: criteria provided, single submitter. Criteria: Ambry Variant Classification Scheme 2023. Collection method: clinical testing. Allele origin: germline.
Comment: The c.2149-1G>A intronic pathogenic mutation results from a G to A substitution one nucleotide upstream from coding exon 23 of the MYBPC3 gene. This alteration was first reported in a hypertrophic cardiomyopathy (HCM) cohort (N&uacute;&ntilde;ez L et al. Circ. J., 2013 Jun;77:2358-65) and has also been reported in another HCM clinical genetic testing cohort; however, clinical details were limited (Walsh R et al. Genet. Med., 2017 Feb;19:192-203). In addition to the clinical data presented in the literature, alterations that disrupt the canonical splice site are expected to cause aberrant splicing, resulting in an abnormal protein or a transcript that is subject to nonsense-mediated mRNA decay. As such, this alteration is classified as a disease-causing mutation.

Revvity Omics, Revvity
Classification: Pathogenic. Last evaluated: 2021-08-31. Review status: criteria provided, single submitter. Criteria: ACMG Guidelines, 2015. Collection method: clinical testing. Allele origin: germline.

ARUP Laboratories, Molecular Genetics and Genomics, ARUP Laboratories
Classification: Pathogenic. Last evaluated: 2016-11-16. Review status: criteria provided, single submitter. Criteria: ARUP Molecular Germline Variant Investigation Process. Collection method: clinical testing. Allele origin: germline.

Stanford Center for Inherited Cardiovascular Disease, Stanford University
Classification: Pathogenic. Last evaluated: 2016-10-14. Review status: criteria provided, single submitter. Criteria: ACMG Guidelines, 2015. Collection method: provider interpretation. Allele origin: germline.

Clinical Genetics Service, Universitary Hospital 12 de Octubre
Classification: Pathogenic for Hypertrophic cardiomyopathy 4. Review status: criteria provided, single submitter. Criteria: ACMG Guidelines, 2015. Collection method: clinical testing. Allele origin: germline. Affected: yes.

Laboratory for Molecular Medicine, Mass General Brigham Personalized Medicine
Classification: Pathogenic for Hypertrophic cardiomyopathy. Last evaluated: 2013-03-04. Review status: no assertion criteria provided. Collection method: clinical testing. Allele origin: germline. Inheritance: Autosomal dominant inheritance. Observed: 1 variant allele. Not counted in ClinVar's aggregate classification.
Comment: proposed classification - variant undergoing re-assessment, contact laboratory

Literature cited by the submitters: PubMed 16199547 (cited by Labcorp Genetics (formerly Invitae), Labcorp); PubMed 19574547 (cited by Labcorp Genetics (formerly Invitae), Labcorp); PubMed 23782526 (cited by 3 submitters); PubMed 25611685 (cited by All of Us Research Program, National Institutes of Health and Color Diagnostics, LLC DBA Color Health); PubMed 27532257 (cited by 3 submitters); PubMed 28771489 (cited by All of Us Research Program, National Institutes of Health and Color Diagnostics, LLC DBA Color Health); PubMed 32841044 (cited by All of Us Research Program, National Institutes of Health and Color Diagnostics, LLC DBA Color Health); PubMed 34588271 (cited by 3 submitters); PubMed 28138913 (cited by Women's Health and Genetics/Laboratory Corporation of America, LabCorp).

NM_000256.3(MYBPC3):c.2149-1G>A

Gene: MYBPC3 (myosin binding protein C3; minus strand). Cytogenetic location: 11p11.2.
Variant type: single nucleotide variant.
Coding change: c.2149-1G>A on transcript NM_000256.3 (MANE Select); the canonical splice acceptor site of the intron before coding-DNA position 2149, G replaced by A.
Molecular consequence: splice acceptor variant.
Genome position (GRCh38, 1-based): chr11:47,338,680, C>T on the plus strand (G>A on the coding strand, the complement: MYBPC3 is on the minus strand). VCF-style: chr11-47338680-C-T. GRCh37 (hg19) VCF-style: chr11-47360231-C-T.
Identifiers: ClinVar variation 177814 (VCV000177814.35), dbSNP rs727504334, ClinGen allele CA011768.